The following is an entry in ClinVar:

ClinVar aggregate classification (germline): Uncertain significance. Review status: criteria provided, multiple submitters, no conflicts (2 of 4 stars). 2 submissions from 2 submitters: Uncertain significance (2). Last evaluated 2025-01-16.

Conditions:
Inborn genetic diseases. Identifiers: MedGen C0950123, MeSH D030342.

Allele frequency attached by ClinVar (database versions not stated): gnomAD 0.00001; gnomAD exomes 0.00002; TOPMed 0.00002; ExAC 0.00003.
gnomAD v4.1: 16 of 1,614,072 alleles (0.00099%); highest among the groups gnomAD compares: Admixed American, 0.027%; no homozygotes.

Submissions (2):

Ambry Genetics
Classification: Uncertain significance for Inborn genetic diseases. Last evaluated: 2025-01-16. Review status: criteria provided, single submitter. Criteria: Ambry Variant Classification Scheme 2023. Collection method: clinical testing. Allele origin: germline.

Labcorp Genetics (formerly Invitae), Labcorp
Classification: Uncertain significance. Last evaluated: 2022-06-01. Review status: criteria provided, single submitter. Criteria: Invitae Variant Classification Sherloc (09022015). Collection method: clinical testing. Allele origin: germline.
Comment: In summary, the available evidence is currently insufficient to determine the role of this variant in disease. Therefore, it has been classified as a Variant of Uncertain Significance. Algorithms developed to predict the effect of missense changes on protein structure and function (SIFT, PolyPhen-2, Align-GVGD) all suggest that this variant is likely to be tolerated. This variant has not been reported in the literature in individuals affected with RNF216-related conditions. This variant is present in population databases (rs778427445, gnomAD 0.03%). This sequence change replaces leucine, which is neutral and non-polar, with valine, which is neutral and non-polar, at codon 186 of the RNF216 protein (p.Leu186Val).

NM_207111.4(RNF216):c.556C>G (p.Leu186Val)

Gene: RNF216 (ring finger protein 216; minus strand). Cytogenetic location: 7p22.1.
Variant type: single nucleotide variant.
Coding change: c.556C>G on transcript NM_207111.4 (MANE Select); coding-DNA position 556, C replaced by G.
Protein change: p.Leu186Val; replaces leucine 186 with valine.
Molecular consequence: missense variant.
Genome position (GRCh38, 1-based): chr7:5,741,461, G>C on the plus strand (C>G on the coding strand, the complement: RNF216 is on the minus strand). VCF-style: chr7-5741461-G-C. GRCh37 (hg19) VCF-style: chr7-5781092-G-C.
Other names: c.385C>G, p.Leu129Val (NM_001377156.1, NM_207116.3); c.556C>G (NM_207111.3); short protein forms L129V, L186V.
Identifiers: ClinVar variation 2083242 (VCV002083242.4), dbSNP rs778427445, ClinGen allele CA4148512.